The following is an entry in ClinVar:

ClinVar aggregate classification (germline): Uncertain significance (1 of 4 stars; one submission).

Conditions:
Xanthinuria type II. Also called: Xanthine dehydrogenase and aldehyde oxidase combined deficiency of; XDH and AOX dual deficiency. Identifiers: Orphanet 3467, Orphanet 93602, MedGen C1863688, MONDO:0011346, OMIM 603592.

gnomAD v4.1: 9 of 1,613,996 alleles (0.00056%); highest among the groups gnomAD compares: East Asian, 0.018%; no homozygotes.

Submission:

Labcorp Genetics (formerly Invitae), Labcorp
Classification: Uncertain significance for Xanthinuria type II. Last evaluated: 2022-11-01. Review status: criteria provided, single submitter. Criteria: Invitae Variant Classification Sherloc (09022015). Collection method: clinical testing. Allele origin: germline.
Comment: In summary, the available evidence is currently insufficient to determine the role of this variant in disease. Therefore, it has been classified as a Variant of Uncertain Significance. Algorithms developed to predict the effect of missense changes on protein structure and function (SIFT, PolyPhen-2, Align-GVGD) all suggest that this variant is likely to be disruptive. ClinVar contains an entry for this variant (Variation ID: 1055828). This variant has not been reported in the literature in individuals affected with XDH-related conditions. This variant is present in population databases (rs201855759, gnomAD 0.03%). This sequence change replaces glycine, which is neutral and non-polar, with alanine, which is neutral and non-polar, at codon 1088 of the XDH protein (p.Gly1088Ala).

NM_000379.4(XDH):c.3263G>C (p.Gly1088Ala)

Gene: XDH (xanthine dehydrogenase; minus strand). Cytogenetic location: 2p23.1.
Variant type: single nucleotide variant.
Coding change: c.3263G>C on transcript NM_000379.4 (MANE Select); coding-DNA position 3263, G replaced by C.
Protein change: p.Gly1088Ala; replaces glycine 1088 with alanine.
Molecular consequence: missense variant.
Genome position (GRCh38, 1-based): chr2:31,347,535, C>G on the plus strand (G>C on the coding strand, the complement: XDH is on the minus strand). VCF-style: chr2-31347535-C-G. GRCh37 (hg19) VCF-style: chr2-31570401-C-G.
Other names: short protein forms G1088A.
Identifiers: ClinVar variation 1055828 (VCV001055828.9), dbSNP rs201855759, ClinGen allele CA1598484.